The following is an entry in ClinVar:

ClinVar aggregate classification (germline): Conflicting classifications of pathogenicity. Review status: criteria provided, conflicting classifications (1 of 4 stars). 5 submissions from 5 submitters: Uncertain significance (1); Likely benign (4). Last evaluated 2026-06-01.

Conditions:
Neurodevelopmental disorder and structural brain anomalies with or without seizures and spasticity. Identifiers: MedGen C5394423, MONDO:0030046, OMIM 618890.

Allele frequency attached by ClinVar (database versions not stated): 1000 Genomes Project 0.00100; gnomAD 0.00131 and 0.00163; ExAC 0.00140; gnomAD exomes 0.00140 and 0.00191; 1000 Genomes Project 30x 0.00141; ESP Exome Variant Server 0.00146; TOPMed 0.00186.
gnomAD v4.1: 2,994 of 1,614,088 alleles (0.19%); highest among the groups gnomAD compares: Non-Finnish European, 0.23%; 4 homozygotes.

Submissions (5):

CeGaT Center for Human Genetics Tuebingen
Classification: Likely benign. Last evaluated: 2026-06-01. Review status: criteria provided, single submitter. Criteria: CeGaT Center For Human Genetics Tuebingen Variant Classification Criteria Version 2. Collection method: clinical testing. Allele origin: germline. Affected: yes. Observed: 8 variant alleles.
Comment: PTPN23: BP4, BP7

Labcorp Genetics (formerly Invitae), Labcorp
Classification: Likely benign. Last evaluated: 2026-01-28. Review status: criteria provided, single submitter. Criteria: Invitae Variant Classification Sherloc (09022015). Collection method: clinical testing. Allele origin: germline.

ARUP Laboratories, Molecular Genetics and Genomics, ARUP Laboratories
Classification: Likely benign for Neurodevelopmental disorder and structural brain anomalies with or without seizures and spasticity. Last evaluated: 2025-04-16. Review status: criteria provided, single submitter. Criteria: ARUP Molecular Germline Variant Investigation Process 2024. Collection method: clinical testing. Allele origin: germline.

Blueprint Genetics
Classification: Likely benign. Last evaluated: 2024-11-21. Review status: criteria provided, single submitter. Criteria: ACMG Guidelines, 2015. Collection method: clinical testing. Allele origin: germline.

Centre for Mendelian Genomics, University Medical Centre Ljubljana
Classification: Uncertain significance for Neurodevelopmental disorder and structural brain anomalies with or without seizures and spasticity. Last evaluated: 2020-01-30. Review status: criteria provided, single submitter. Criteria: ACMG Guidelines, 2015. Collection method: clinical testing. Allele origin: unknown. Affected: yes.
Comment: This variant was classified as: Uncertain significance. The available evidence on this variant's pathogenicity is insufficient or conflicting. The following ACMG criteria were applied in classifying this variant: No criteria apply.

NM_015466.4(PTPN23):c.1209G>A (p.Leu403=)

Gene: PTPN23 (protein tyrosine phosphatase non-receptor type 23; plus strand). Cytogenetic location: 3p21.31.
Variant type: single nucleotide variant.
Coding change: c.1209G>A on transcript NM_015466.4 (MANE Select); coding-DNA position 1209, G replaced by A.
Protein change: p.Leu403=; no amino-acid change (leucine 403 retained).
Molecular consequence: synonymous variant.
Genome position (GRCh38, 1-based): chr3:47,408,369, G>A. VCF-style: chr3-47408369-G-A. GRCh37 (hg19) VCF-style: chr3-47449859-G-A.
Other names: c.831G>A, p.Leu277= (NM_001304482.2).
Identifiers: ClinVar variation 787660 (VCV000787660.36), dbSNP rs138754006, ClinGen allele CA2365682.